The following is an entry in ClinVar:

ClinVar aggregate classification (germline): Pathogenic (1 of 4 stars; one submission).

Conditions:
Familial cancer of breast. Also called: BREAST CANCER, FAMILIAL; Hereditary breast cancer; hereditary breast carcinoma. Identifiers: Orphanet 227535, MedGen C0346153, MONDO:0016419, OMIM 114480. Disease mechanism: loss of function.

Submission:

Myriad Genetics, Inc.
Classification: Pathogenic for Familial cancer of breast. Last evaluated: 2024-01-17. Review status: criteria provided, single submitter. Criteria: Myriad Autosomal Dominant, Autosomal Recessive and X-Linked Classification Criteria (2023). Collection method: clinical testing. Allele origin: unknown.
Comment: This variant is considered pathogenic. This variant creates a frameshift predicted to result in premature protein truncation.

NM_000051.4(ATM):c.2044_2045del (p.Val682fs)

Gene: ATM (ATM serine/threonine kinase; plus strand). Cytogenetic location: 11q22.3.
Variant type: Deletion.
Coding change: c.2044_2045del on transcript NM_000051.4 (MANE Select); coding-DNA positions 2044 to 2045, 2 bases deleted (GT; older notation c.2044_2045delGT).
Protein change: p.Val682fs; shifts the reading frame from valine 682.
Molecular consequence: frameshift variant.
Genome position (GRCh38, 1-based): chr11:108,253,959-108,253,960, GT deleted; deleting any 2 consecutive bases within chr11:108,253,958-108,253,960 gives the same sequence; the c. name uses the placement nearest the transcript's 3' end. VCF-style (leftmost placement, unchanged base first): chr11-108253957-CTG-C. GRCh37 (hg19) VCF-style: chr11-108124684-CTG-C.
Other names: c.2044_2045del, p.Val682fs (NM_001351834.2); short protein forms V682fs.
Identifiers: ClinVar variation 3148385 (VCV003148385.1), dbSNP rs2497315848, ClinGen allele CA2825001782.